The following is an entry in ClinVar:

NM_138576.4(BCL11B):c.814G>C (p.Glu272Gln)

Gene: BCL11B (BCL11 transcription factor B; minus strand). Cytogenetic location: 14q32.2.
Variant type: single nucleotide variant.
Coding change: c.814G>C on transcript NM_138576.4 (MANE Select); coding-DNA position 814, G replaced by C.
Protein change: p.Glu272Gln; replaces glutamic acid 272 with glutamine.
Molecular consequence: missense variant.
Genome position (GRCh38, 1-based): chr14:99,176,022, C>G on the plus strand (G>C on the coding strand, the complement: BCL11B is on the minus strand). VCF-style: chr14-99176022-C-G. GRCh37 (hg19) VCF-style: chr14-99642359-C-G.
Other names: c.811G>C, p.Glu271Gln (NM_001282237.2); c.598G>C, p.Glu200Gln (NM_001282238.2); c.601G>C, p.Glu201Gln (NM_022898.3); short protein forms E200Q, E201Q, E271Q, E272Q.
Identifiers: ClinVar variation 3234924 (VCV003234924.1), dbSNP rs1417328526, ClinGen allele CA390936719.

ClinVar aggregate classification (germline): Uncertain significance (1 of 4 stars; one submission).

Conditions:
Intellectual developmental disorder with speech delay, dysmorphic facies, and t-cell abnormalities. Also called: BCL11B-related BAFopathy. Identifiers: Orphanet 662829, MedGen C4748152, MONDO:0060763, OMIM 618092.

Submission:

Neuberg Centre For Genomic Medicine, NCGM
Classification: Uncertain significance for Intellectual developmental disorder with speech delay, dysmorphic facies, and t-cell abnormalities. Review status: criteria provided, single submitter. Criteria: ACMG Guidelines, 2015. Collection method: clinical testing. Allele origin: germline. Inheritance: Autosomal dominant inheritance. Affected: yes.
Comment: The missense c.814G>C p.Glu272Gln variant in BCL11B gene has not been reported previously as a pathogenic variant nor as a benign variant, to our knowledge. The p.Glu272Gln variant is novel not in any individuals in gnomAD Exomes and 1000 Genomes. The amino acid change p.Glu272Gln in BCL11B is predicted as conserved by GERP++ and PhyloP across 100 vertebrates. The amino acid Glu at position 272 is changed to a Gln changing protein sequence and it might alter its composition and physico-chemical properties. For these reasons, this variant has been classified as a Variant of Uncertain Significance VUS.